The following is an entry in ClinVar:

NM_017662.5(TRPM6):c.4325A>G (p.Gln1442Arg)

Gene: TRPM6 (transient receptor potential cation channel subfamily M member 6; minus strand). Cytogenetic location: 9q21.13.
Variant type: single nucleotide variant.
Coding change: c.4325A>G on transcript NM_017662.5 (MANE Select); coding-DNA position 4325, A replaced by G.
Protein change: p.Gln1442Arg; replaces glutamine 1442 with arginine.
Molecular consequence: missense variant.
Genome position (GRCh38, 1-based): chr9:74,762,346, T>C on the plus strand (A>G on the coding strand, the complement: TRPM6 is on the minus strand). VCF-style: chr9-74762346-T-C. GRCh37 (hg19) VCF-style: chr9-77377262-T-C.
Other names: c.4310A>G, p.Gln1437Arg (NM_001177310.2, NM_001177311.2); short protein forms Q1437R, Q1442R.
Identifiers: ClinVar variation 4711578 (VCV004711578.1).
Genomic context (GRCh38, chr9:74,762,346, plus strand): 5'-TCATCACCTTCTGAAAATGCCCAGTTTACATATCCACCTCCAGTTTGCATGATCTTGGCT[T>C]GGGAAAGAGGGGAGCTCATTGTCATGGGTTCAGGTGTGCAACTCAAAGTGGGTAGCACTT-3'
Protein context (NP_060132.3, residues 1432-1452): EPMTMSSPLS[Gln1442Arg]AKIMQTGGGY

ClinVar aggregate classification (germline): Uncertain significance (1 of 4 stars; one submission).

gnomAD v4.1: 23 of 1,614,106 alleles (0.0014%); highest among the groups gnomAD compares: Non-Finnish European, 0.0019%; no homozygotes.

Submission:

Labcorp Genetics (formerly Invitae), Labcorp
Classification: Uncertain significance. Last evaluated: 2025-02-23. Review status: criteria provided, single submitter. Criteria: Invitae Variant Classification Sherloc (09022015). Collection method: clinical testing. Allele origin: germline.
Comment: This sequence change replaces glutamine, which is neutral and polar, with arginine, which is basic and polar, at codon 1442 of the TRPM6 protein (p.Gln1442Arg). This variant is not present in population databases (gnomAD no frequency). This variant has not been reported in the literature in individuals affected with TRPM6-related conditions. An algorithm developed to predict the effect of missense changes on protein structure and function outputs the following: PolyPhen-2: "Benign". The arginine amino acid residue is found in multiple mammalian species, which suggests that this missense change does not adversely affect protein function. In summary, the available evidence is currently insufficient to determine the role of this variant in disease. Therefore, it has been classified as a Variant of Uncertain Significance.